The following is an entry in ClinVar:

ClinVar aggregate classification (germline): Likely benign (1 of 4 stars; one submission).

Allele frequency attached by ClinVar (database versions not stated): gnomAD exomes below 0.00001; TOPMed below 0.00001; gnomAD 0.00001.
gnomAD v4.1: 2 of 1,594,586 alleles (0.00013%); highest among the groups gnomAD compares: Non-Finnish European, 0.000085%; no homozygotes.

Submission:

CeGaT Center for Human Genetics Tuebingen
Classification: Likely benign. Last evaluated: 2022-10-01. Review status: criteria provided, single submitter. Criteria: CeGaT Center For Human Genetics Tuebingen Variant Classification Criteria Version 2. Collection method: clinical testing. Allele origin: germline. Affected: yes. Observed: 1 variant allele.
Comment: CACNA1A: BP4, BP7

NM_001127222.2(CACNA1A):c.2715C>T (p.Ala905=)

Gene: CACNA1A (calcium voltage-gated channel subunit alpha1 A; minus strand). Cytogenetic location: 19p13.13.
Variant type: single nucleotide variant.
Coding change: c.2715C>T on transcript NM_001127222.2 (MANE Select); coding-DNA position 2715, C replaced by T.
Protein change: p.Ala905=; no amino-acid change (alanine 905 retained).
Molecular consequence: synonymous variant.
Genome position (GRCh38, 1-based): chr19:13,298,918, G>A on the plus strand (C>T on the coding strand, the complement: CACNA1A is on the minus strand). VCF-style: chr19-13298918-G-A. GRCh37 (hg19) VCF-style: chr19-13409732-G-A.
Other names: c.2727C>T, p.Ala909= (NM_000068.4, NM_023035.3); c.2718C>T, p.Ala906= (NM_001127221.2, NM_001174080.2).
Identifiers: ClinVar variation 1879423 (VCV001879423.29), dbSNP rs1208222207, ClinGen allele CA505785373.